The following is an entry in ClinVar:

NM_007325.5(GRIA3):c.2621C>G (p.Thr874Ser)

Gene: GRIA3 (glutamate ionotropic receptor AMPA type subunit 3; plus strand). Cytogenetic location: Xq25.
Variant type: single nucleotide variant.
Coding change: c.2621C>G on transcript NM_007325.5 (MANE Select); coding-DNA position 2621, C replaced by G.
Protein change: p.Thr874Ser; replaces threonine 874 with serine.
Molecular consequence: missense variant.
Genome position (GRCh38, 1-based): chrX:123,482,980, C>G. VCF-style: chrX-123482980-C-G. GRCh37 (hg19) VCF-style: chrX-122616831-C-G.
Other names: c.2621C>G, p.Thr874Ser (NM_000828.5); c.2621C>G (NM_000828.4); short protein forms T874S.
Identifiers: ClinVar variation 2752865 (VCV002752865.5), dbSNP rs2521368556, ClinGen allele CA414256273.

ClinVar aggregate classification (germline): Uncertain significance. Review status: criteria provided, multiple submitters, no conflicts (2 of 4 stars). 2 submissions from 2 submitters: Uncertain significance (2). Last evaluated 2024-11-21.

Submissions (2):

GeneDx
Classification: Uncertain significance. Last evaluated: 2024-11-21. Review status: criteria provided, single submitter. Criteria: GeneDx Variant Classification Process June 2021. Collection method: clinical testing. Allele origin: germline.
Comment: Not observed at significant frequency in large population cohorts (gnomAD); In silico analysis supports that this missense variant does not alter protein structure/function; Has not been previously published as pathogenic or benign to our knowledge

Labcorp Genetics (formerly Invitae), Labcorp
Classification: Uncertain significance. Last evaluated: 2023-05-31. Review status: criteria provided, single submitter. Criteria: Invitae Variant Classification Sherloc (09022015). Collection method: clinical testing. Allele origin: germline.
Comment: In summary, the available evidence is currently insufficient to determine the role of this variant in disease. Therefore, it has been classified as a Variant of Uncertain Significance. An algorithm developed to predict the effect of missense changes on protein structure and function (PolyPhen-2) suggests that this variant is likely to be tolerated. This variant has not been reported in the literature in individuals affected with GRIA3-related conditions. This variant is not present in population databases (gnomAD no frequency). This sequence change replaces threonine, which is neutral and polar, with serine, which is neutral and polar, at codon 874 of the GRIA3 protein (p.Thr874Ser).